The following is an entry in ClinVar:

NC_000002.12:g.(?_44321336)_(44346410_?)del

Genes: PREPL (prolyl endopeptidase like; minus strand), SLC3A1 (solute carrier family 3 member 1; plus strand). Cytogenetic location: 2p21.
Variant type: Deletion.
Identifiers: ClinVar variation 583811 (VCV000583811.1).

ClinVar aggregate classification (germline): Pathogenic (1 of 4 stars; one submission).

Conditions:
Myasthenic syndrome, congenital, 22 (CMS22). Also called: PREPL DEFICIENCY. Identifiers: MedGen C4479088, MONDO:0044299, OMIM 616224.

Submission:

Labcorp Genetics (formerly Invitae), Labcorp
Classification: Pathogenic for Myasthenic syndrome, congenital, 22. Last evaluated: 2018-06-25. Review status: criteria provided, single submitter. Criteria: Invitae Variant Classification Sherloc (09022015). Collection method: clinical testing. Allele origin: germline.
Comment: This variant is a gross deletion of the genomic region encompassing exons 2-14 of the PREPL gene. The 5' boundary is likely confined to intron 1. If SLC3A1 has been tested and no copy number events are reported for it, then the 3' boundary of this event lies between the PREPL and SLC3A1 genes. If SLC3A1 has not been tested, the 3' end of this event is unknown as it extends beyond the assayed region of this test. This is expected to result in an absent or disrupted protein product.. Isolated deletions of exons 2-14 of PREPL have not been reported in the literature. However, larger copy number events that include this region have been reported inÂ¬â€ individuals affected with hypotonia-cystinuria syndrome (PMID: 24610330, 22796000, 24610330). For these reasons, this variant has been classified as Pathogenic.

Literature cited by the submitters: PubMed 22796000; PubMed 24610330.